The following is an entry in ClinVar:

ClinVar aggregate classification (germline): Benign/Likely benign. Review status: criteria provided, multiple submitters, no conflicts (2 of 4 stars). 2 submissions from 2 submitters: Benign (1); Likely benign (1). Last evaluated 2025-10-25.

Allele frequency attached by ClinVar (database versions not stated): ExAC 0.00006; gnomAD exomes 0.00008 and 0.00014; gnomAD 0.00023 and 0.00029; ESP Exome Variant Server 0.00031; TOPMed 0.00038.
gnomAD v4.1: 240 of 1,613,092 alleles (0.015%); highest among the groups gnomAD compares: African/African-American, 0.088%; no homozygotes.

Submissions (2):

Labcorp Genetics (formerly Invitae), Labcorp
Classification: Benign. Last evaluated: 2025-10-25. Review status: criteria provided, single submitter. Criteria: Invitae Variant Classification Sherloc (09022015). Collection method: clinical testing. Allele origin: germline.

CeGaT Center for Human Genetics Tuebingen
Classification: Likely benign. Last evaluated: 2025-10-01. Review status: criteria provided, single submitter. Criteria: CeGaT Center For Human Genetics Tuebingen Variant Classification Criteria Version 2. Collection method: clinical testing. Allele origin: germline. Affected: yes. Observed: 1 variant allele.
Comment: CTR9: BP4, BP7

NM_014633.5(CTR9):c.417A>G (p.Leu139=)

Gene: CTR9 (CTR9 component of Paf1/RNA polymerase II complex; plus strand). Cytogenetic location: 11p15.4.
Variant type: single nucleotide variant.
Coding change: c.417A>G on transcript NM_014633.5 (MANE Select); coding-DNA position 417, A replaced by G.
Protein change: p.Leu139=; no amino-acid change (leucine 139 retained).
Molecular consequence: synonymous variant.
Genome position (GRCh38, 1-based): chr11:10,755,710, A>G. VCF-style: chr11-10755710-A-G. GRCh37 (hg19) VCF-style: chr11-10777257-A-G.
Other names: c.417A>G, p.Leu139= (NM_001346279.2).
Identifiers: ClinVar variation 1583158 (VCV001583158.14), dbSNP rs374392090, ClinGen allele CA5884858.